The following is an entry in ClinVar:

NM_002894.3(RBBP8):c.1940A>G (p.Asp647Gly)

Gene: RBBP8 (RB binding protein 8, endonuclease; plus strand). Cytogenetic location: 18q11.2.
Variant type: single nucleotide variant.
Coding change: c.1940A>G on transcript NM_002894.3 (MANE Select); coding-DNA position 1940, A replaced by G.
Protein change: p.Asp647Gly; replaces aspartic acid 647 with glycine.
Molecular consequence: missense variant.
Genome position (GRCh38, 1-based): chr18:22,996,374, A>G. VCF-style: chr18-22996374-A-G. GRCh37 (hg19) VCF-style: chr18-20576337-A-G.
Other names: c.1940A>G, p.Asp647Gly (NM_203291.2, NM_203292.2); c.1940A>G (NM_002894.2); short protein forms D647G.
Identifiers: ClinVar variation 4810255 (VCV004810255.2).
Genomic context (GRCh38, chr18:22,996,374, plus strand): 5'-AAAGTGATGAGAATTTTTGAAATCAGTTTTTTAATTGCATGCTCTTTCCCTTTACCTAAG[A>G]TGTATCCTTTGAAAATATCCAGTGGAGTATAGATCCGGGAGCAGACCTTTCTCAGTATAA-3'
Protein context (NP_002885.1, residues 637-657): GKIKSLQNNQ[Asp647Gly]VSFENIQWSI

ClinVar aggregate classification (germline): Uncertain significance. Review status: criteria provided, multiple submitters, no conflicts (2 of 4 stars). 2 submissions from 2 submitters: Uncertain significance (2). Last evaluated 2026-04-20.

Conditions:
RBBP8-related disorder. Also called: RBBP8-related condition; RBBP8-Related Disorders. Identifiers: MedGen CN239300.

gnomAD v4.1: 10 of 1,613,494 alleles (0.00062%); highest among the groups gnomAD compares: Admixed American, 0.0033%; no homozygotes.

Submissions (2):

PreventionGenetics, part of Exact Sciences
Classification: Uncertain significance for RBBP8-related condition. Last evaluated: 2026-04-20. Review status: criteria provided, single submitter. Criteria: ACMG Guidelines, 2015. Collection method: clinical testing. Allele origin: germline.
Comment: The RBBP8 c.1940A>G variant is predicted to result in the amino acid substitution p.Asp647Gly. To our knowledge, this variant has not been reported in the literature. This variant is reported in 0.0058% of alleles in individuals of Latino descent in gnomAD. At this time, the clinical significance of this variant is uncertain due to the absence of conclusive functional and genetic evidence.

Labcorp Genetics (formerly Invitae), Labcorp
Classification: Uncertain significance. Last evaluated: 2025-12-01. Review status: criteria provided, single submitter. Criteria: Invitae Variant Classification Sherloc (09022015). Collection method: clinical testing. Allele origin: germline.
Comment: This sequence change replaces aspartic acid, which is acidic and polar, with glycine, which is neutral and non-polar, at codon 647 of the RBBP8 protein (p.Asp647Gly). This variant is present in population databases (rs571121362, gnomAD 0.006%). This variant has not been reported in the literature in individuals affected with RBBP8-related conditions. An algorithm developed to predict the effect of missense changes on protein structure and function (PolyPhen-2) suggests that this variant is likely to be tolerated. In summary, the available evidence is currently insufficient to determine the role of this variant in disease. Therefore, it has been classified as a Variant of Uncertain Significance.